The following is an entry in ClinVar:

ClinVar aggregate classification (germline): Uncertain significance. Review status: criteria provided, multiple submitters, no conflicts (2 of 4 stars). 3 submissions from 3 submitters: Uncertain significance (3). Last evaluated 2025-12-24.

Conditions:
Hereditary cancer-predisposing syndrome. Also called: Neoplastic Syndromes, Hereditary; Tumor predisposition; Hereditary neoplastic syndrome; Hereditary Cancer Syndrome. Identifiers: Orphanet 140162, MedGen C0027672, MeSH D009386, MONDO:0015356.
Multiple endocrine neoplasia, type 2 (MEN2). Identifiers: Orphanet 653, MedGen C4048306, MONDO:0019003. Disease mechanism: gain of function.

Allele frequency attached by ClinVar (database versions not stated): gnomAD 0.00001.
gnomAD v4.1: 6 of 1,614,118 alleles (0.00037%); highest among the groups gnomAD compares: Non-Finnish European, 0.00051%; no homozygotes.

Submissions (3):

Labcorp Genetics (formerly Invitae), Labcorp
Classification: Uncertain significance for Multiple endocrine neoplasia, type 2. Last evaluated: 2025-12-24. Review status: criteria provided, single submitter. Criteria: Invitae Variant Classification Sherloc (09022015). Collection method: clinical testing. Allele origin: germline.
Comment: This sequence change replaces arginine, which is basic and polar, with glycine, which is neutral and non-polar, at codon 189 of the RET protein (p.Arg189Gly). This variant is not present in population databases (gnomAD no frequency). This variant has not been reported in the literature in individuals affected with RET-related conditions. ClinVar contains an entry for this variant (Variation ID: 1387427). An algorithm developed to predict the effect of missense changes on protein structure and function (PolyPhen-2) suggests that this variant is likely to be disruptive. In summary, the available evidence is currently insufficient to determine the role of this variant in disease. Therefore, it has been classified as a Variant of Uncertain Significance.

Ambry Genetics
Classification: Uncertain significance for Hereditary cancer-predisposing syndrome. Last evaluated: 2025-07-12. Review status: criteria provided, single submitter. Criteria: Ambry Variant Classification Scheme 2023. Collection method: clinical testing. Allele origin: germline.
Comment: The p.R189G variant (also known as c.565C>G), located in coding exon 3 of the RET gene, results from a C to G substitution at nucleotide position 565. The arginine at codon 189 is replaced by glycine, an amino acid with dissimilar properties. This amino acid position is conserved. In addition, this alteration is predicted to be tolerated by in silico analysis. Since supporting evidence is limited at this time, the clinical significance of this alteration remains unclear.

GeneDx
Classification: Uncertain significance. Last evaluated: 2025-01-28. Review status: criteria provided, single submitter. Criteria: GeneDx Variant Classification Process June 2021. Collection method: clinical testing. Allele origin: germline. Affected: yes.
Comment: Not observed at significant frequency in large population cohorts (gnomAD); In silico analysis indicates that this missense variant does not alter protein structure/function; Has not been previously published as pathogenic or benign to our knowledge; This variant is associated with the following publications: (PMID: 14633923)

NM_020975.6(RET):c.565C>G (p.Arg189Gly)

Gene: RET (ret proto-oncogene; plus strand). Cytogenetic location: 10q11.21.
Variant type: single nucleotide variant.
Coding change: c.565C>G on transcript NM_020975.6 (MANE Select); coding-DNA position 565, C replaced by G.
Protein change: p.Arg189Gly; replaces arginine 189 with glycine.
Molecular consequence: missense variant.
Genome position (GRCh38, 1-based): chr10:43,102,569, C>G. VCF-style: chr10-43102569-C-G. GRCh37 (hg19) VCF-style: chr10-43598017-C-G.
Other names: c.565C>G, p.Arg189Gly (NM_000323.2, NM_001406743.1, NM_001406744.1 and 16 more transcripts); c.436C>G, p.Arg146Gly (NM_001406761.1, NM_001406762.1, NM_001406764.1 and 4 more transcripts); short protein forms R189G, R146G.
Identifiers: ClinVar variation 1387427 (VCV001387427.13), dbSNP rs1210452561, ClinGen allele CA376543515.